The following is an entry in ClinVar:

ClinVar aggregate classification (germline): Uncertain significance (1 of 4 stars; one submission).

Conditions:
Hereditary cancer-predisposing syndrome. Also called: Neoplastic Syndromes, Hereditary; Tumor predisposition; Hereditary neoplastic syndrome; Hereditary Cancer Syndrome. Identifiers: Orphanet 140162, MedGen C0027672, MeSH D009386, MONDO:0015356.

Submission:

Ambry Genetics
Classification: Uncertain significance for Hereditary cancer-predisposing syndrome. Last evaluated: 2020-11-23. Review status: criteria provided, single submitter. Criteria: Ambry Variant Classification Scheme 2023. Collection method: clinical testing. Allele origin: germline.
Comment: The p.N1225Y variant (also known as c.3673A>T), located in coding exon 30 of the TSC2 gene, results from an A to T substitution at nucleotide position 3673. The asparagine at codon 1225 is replaced by tyrosine, an amino acid with dissimilar properties. This amino acid position is well conserved in available vertebrate species. In addition, this alteration is predicted to be deleterious by in silico analysis. Since supporting evidence is limited at this time, the clinical significance of this alteration remains unclear.

NM_000548.5(TSC2):c.3673A>T (p.Asn1225Tyr)

Gene: TSC2 (TSC complex subunit 2; plus strand). Cytogenetic location: 16p13.3.
Variant type: single nucleotide variant.
Coding change: c.3673A>T on transcript NM_000548.5 (MANE Select); coding-DNA position 3673, A replaced by T.
Protein change: p.Asn1225Tyr; replaces asparagine 1225 with tyrosine.
Molecular consequence: missense variant. On other transcripts: non-coding transcript variant (5).
Genome position (GRCh38, 1-based): chr16:2,081,657, A>T. VCF-style: chr16-2081657-A-T. GRCh37 (hg19) VCF-style: chr16-2131658-A-T.
Other names: c.3073A>T, p.Asn1025Tyr (NM_001406682.1, NM_001406683.1, NM_001406680.1); c.3070A>T, p.Asn1024Tyr (NM_001406684.1); c.2944A>T, p.Asn982Tyr (NM_001406685.1, NM_001406686.1); c.2941A>T, p.Asn981Tyr (NM_001406687.1, NM_001406688.1, NM_001318831.2); c.2329A>T, p.Asn777Tyr (NM_001406689.1); c.2200A>T, p.Asn734Tyr (NM_001406690.1, NM_001406692.1, NM_001406693.1 and 1 more transcripts); c.2197A>T, p.Asn733Tyr (NM_001406691.1, NM_001406695.1, NM_001406696.1 and 1 more transcripts); c.1939A>T, p.Asn647Tyr (NM_001406698.1); and 18 more; short protein forms N1024Y, N1025Y, N1028Y, N1132Y, N1133Y, N1144Y, N1145Y, N1162Y.
Identifiers: ClinVar variation 3232152 (VCV003232152.1), dbSNP rs2544155419, ClinGen allele CA394292216.